The following is an entry in ClinVar:

NM_001267550.2(TTN):c.61040C>A (p.Ala20347Asp)

Genes: TTN (titin; minus strand), TTN-AS1 (TTN antisense RNA 1; plus strand). Cytogenetic location: 2q31.2.
Variant type: single nucleotide variant.
Coding change: c.61040C>A on transcript NM_001267550.2 (MANE Select); coding-DNA position 61040, C replaced by A.
Protein change: p.Ala20347Asp; replaces alanine 20347 with aspartic acid.
Molecular consequence: missense variant.
Genome position (GRCh38, 1-based): chr2:178,590,685, G>T on the plus strand (C>A on the coding strand, the complement: TTN is on the minus strand). VCF-style: chr2-178590685-G-T. GRCh37 (hg19) VCF-style: chr2-179455412-G-T.
Other names: c.56117C>A, p.Ala18706Asp (NM_001256850.1); c.33845C>A, p.Ala11282Asp (NM_003319.4); c.53336C>A, p.Ala17779Asp (NM_133378.4); c.34220C>A, p.Ala11407Asp (NM_133432.3); c.34421C>A, p.Ala11474Asp (NM_133437.4); short protein forms A11282D, A18706D, A11407D, A17779D, A11474D, A20347D.
Identifiers: ClinVar variation 1730835 (VCV001730835.5), dbSNP rs1372719064, ClinGen allele CA349477080.
Genomic context (GRCh38, chr2:178,590,685, plus strand): 5'-CGGCAAGCTTTTATTGGATCAGAACTTGGGGATGGTTTGCTTAGTCCTGCAAGATTTTCA[G>T]CAAAAACTCTAAACTCATATGTATTTCCTTCATAGAGTCCAGTCACTCTGAACTTCAGGT-3'
Protein context (NP_001254479.2, residues 20337-20357): EGNTYEFRVF[Ala20347Asp]ENLAGLSKPS

ClinVar aggregate classification (germline): Uncertain significance. Review status: criteria provided, multiple submitters, no conflicts (2 of 4 stars). 2 submissions from 2 submitters: Uncertain significance (2). Last evaluated 2022-08-29.

Conditions:
Cardiovascular phenotype. Identifiers: MedGen CN230736.

Allele frequency attached by ClinVar (database versions not stated): gnomAD exomes 0.00001; gnomAD 0.00002; TOPMed 0.00002.

Submissions (2):

Revvity Omics, Revvity
Classification: Uncertain significance. Last evaluated: 2022-08-29. Review status: criteria provided, single submitter. Criteria: ACMG Guidelines, 2015. Collection method: clinical testing. Allele origin: germline.

Ambry Genetics
Classification: Uncertain significance for Cardiovascular phenotype. Last evaluated: 2020-08-03. Review status: criteria provided, single submitter. Criteria: Ambry Variant Classification Scheme 2023. Collection method: clinical testing. Allele origin: germline.
Comment: The p.A11282D variant (also known as c.33845C>A), located in coding exon 131 of the TTN gene, results from a C to A substitution at nucleotide position 33845. The alanine at codon 11282 is replaced by aspartic acid, an amino acid with dissimilar properties. This amino acid position is highly conserved in available vertebrate species. In addition, this alteration is predicted to be deleterious by in silico analysis. Since supporting evidence is limited at this time, the clinical significance of this alteration remains unclear.